The following is an entry in ClinVar:

ClinVar aggregate classification (germline): Likely pathogenic (1 of 4 stars; one submission).

Conditions:
NAXE-related disorder. Also called: NAXE-related condition.

Allele frequency attached by ClinVar (database versions not stated): TOPMed below 0.00001; gnomAD 0.00001.

Submission:

PreventionGenetics, part of Exact Sciences
Classification: Likely pathogenic for NAXE-related condition. Last evaluated: 2026-02-27. Review status: criteria provided, single submitter. Criteria: ACMG Guidelines, 2015. Collection method: clinical testing. Allele origin: germline.
Comment: The NAXE c.73C>T variant is predicted to result in premature protein termination (p.Gln25*). To our knowledge, this variant has not been reported in the literature or in a large population database, indicating this variant is rare. Nonsense variants in NAXE are expected to be pathogenic. This variant is interpreted as likely pathogenic.

NM_144772.3(NAXE):c.73C>T (p.Gln25Ter)

Gene: NAXE (NAD(P)HX epimerase; plus strand). Cytogenetic location: 1q22.
Variant type: single nucleotide variant.
Coding change: c.73C>T on transcript NM_144772.3 (MANE Select); coding-DNA position 73, C replaced by T.
Protein change: p.Gln25Ter; replaces glutamine 25 with a stop codon.
Molecular consequence: nonsense.
Genome position (GRCh38, 1-based): chr1:156,591,877, C>T. VCF-style: chr1-156591877-C-T. GRCh37 (hg19) VCF-style: chr1-156561669-C-T.
Other names: short protein forms Q25*.
Identifiers: ClinVar variation 2637091 (VCV002637091.2), dbSNP rs1258884250, ClinGen allele CA342870531.